The following is an entry in ClinVar:

ClinVar aggregate classification (germline): Uncertain significance (1 of 4 stars; one submission).

Submission:

Ambry Genetics
Classification: Uncertain significance. Last evaluated: 2024-03-09. Review status: criteria provided, single submitter. Criteria: Ambry Variant Classification Scheme 2023. Collection method: clinical testing. Allele origin: germline.
Comment: The p.D52N variant (also known as c.154G>A), located in coding exon 2 of the RECQL gene, results from a G to A substitution at nucleotide position 154. The aspartic acid at codon 52 is replaced by asparagine, an amino acid with highly similar properties. This amino acid position is conserved. In addition, this alteration is predicted to be tolerated by in silico analysis. Based on the available evidence, the clinical significance of this alteration remains unclear.

NM_002907.4(RECQL):c.154G>A (p.Asp52Asn)

Gene: RECQL (RecQ like helicase; minus strand). Cytogenetic location: 12p12.1.
Variant type: single nucleotide variant.
Coding change: c.154G>A on transcript NM_002907.4 (MANE Select); coding-DNA position 154, G replaced by A.
Protein change: p.Asp52Asn; replaces aspartic acid 52 with asparagine.
Molecular consequence: missense variant.
Genome position (GRCh38, 1-based): chr12:21,491,579, C>T on the plus strand (G>A on the coding strand, the complement: RECQL is on the minus strand). VCF-style: chr12-21491579-C-T. GRCh37 (hg19) VCF-style: chr12-21644513-C-T.
Other names: c.154G>A, p.Asp52Asn (NM_032941.3); short protein forms D52N.
Identifiers: ClinVar variation 3222937 (VCV003222937.1), dbSNP rs2136755254, ClinGen allele CA384134365.
Genomic context (GRCh38, chr12:21,491,579, plus strand): 5'-CTTCTTTATTCCAAGCGGCAGGTGAAGAATCATATTCATTGCTTGCCCCGGCATCAGAAT[C>T]CTCTAAACACTGCTTTATTTTCTTTGTCAGGACTTTTTTTTTCTGAATAAGCTCTTGTTG-3'
Protein context (NP_002898.2, residues 42-62): LTKKIKQCLE[Asp52Asn]SDAGASNEYD